The following is an entry in ClinVar:

NM_001267550.2(TTN):c.65629G>T (p.Ala21877Ser)

Genes: TTN (titin; minus strand), TTN-AS1 (TTN antisense RNA 1; plus strand). Cytogenetic location: 2q31.2.
Variant type: single nucleotide variant.
Coding change: c.65629G>T on transcript NM_001267550.2 (MANE Select); coding-DNA position 65629, G replaced by T.
Protein change: p.Ala21877Ser; replaces alanine 21877 with serine.
Molecular consequence: missense variant. On other transcripts: non-coding transcript variant (1).
Genome position (GRCh38, 1-based): chr2:178,583,174, C>A on the plus strand (G>T on the coding strand, the complement: TTN is on the minus strand). VCF-style: chr2-178583174-C-A. GRCh37 (hg19) VCF-style: chr2-179447901-C-A.
Other names: c.60706G>T, p.Ala20236Ser (NM_001256850.1); c.38434G>T, p.Ala12812Ser (NM_003319.4); c.57925G>T, p.Ala19309Ser (NM_133378.4); c.38809G>T, p.Ala12937Ser (NM_133432.3); c.39010G>T, p.Ala13004Ser (NM_133437.4); c.65629G>T (NM_001267550.1); short protein forms A21877S, A19309S, A12812S, A12937S, A13004S, A20236S.
Identifiers: ClinVar variation 596090 (VCV000596090.16), dbSNP rs72646866, ClinGen allele CA1991665.

ClinVar aggregate classification (germline): Conflicting classifications of pathogenicity. Review status: criteria provided, conflicting classifications (1 of 4 stars). 7 submissions from 7 submitters: Uncertain significance (3); Likely benign (1). 3 of the submissions do not count toward it. Last evaluated 2025-04-09.

Conditions:
Hypertrophic cardiomyopathy 9. Also called: Familial hypertrophic cardiomyopathy 9. Identifiers: MedGen C1861065, MONDO:0013412, OMIM 613765.
Cardiovascular phenotype. Identifiers: MedGen CN230736.

Allele frequency attached by ClinVar (database versions not stated): ExAC 0.00006; gnomAD 0.00003 and 0.00001; TOPMed 0.00005; gnomAD exomes 0.00006 and 0.00010.
gnomAD v4.1: 92 of 1,611,420 alleles (0.0057%); highest among the groups gnomAD compares: Middle Eastern, 0.099%; no homozygotes.

Submissions (7):

Revvity Omics, Revvity
Classification: Uncertain significance. Last evaluated: 2025-04-09. Review status: criteria provided, single submitter. Criteria: ACMG Guidelines, 2015. Collection method: clinical testing. Allele origin: germline.

GeneDx
Classification: Likely benign. Last evaluated: 2021-06-01. Review status: criteria provided, single submitter. Criteria: GeneDx Variant Classification Process June 2021. Collection method: clinical testing. Allele origin: germline. Affected: yes.
Comment: See Variant Classification Assertion Criteria.

Ambry Genetics
Classification: Uncertain significance for Cardiovascular phenotype. Last evaluated: 2019-12-19. Review status: criteria provided, single submitter. Criteria: Ambry Variant Classification Scheme 2023. Collection method: clinical testing. Allele origin: germline.
Comment: The p.A12812S variant (also known as c.38434G>T), located in coding exon 140 of the TTN gene, results from a G to T substitution at nucleotide position 38434. The alanine at codon 12812 is replaced by serine, an amino acid with similar properties. This amino acid position is highly conserved in available vertebrate species. In addition, the in silico prediction for this alteration is inconclusive. This alteration was identified in one individual with arrhythmogenic right ventricular cardiomyopathy (ARVC) (Taylor M et al. Circulation, 2011 Aug;124:876-85). Since supporting evidence is limited at this time, the clinical significance of this alteration remains unclear.

Eurofins Ntd Llc (ga)
Classification: Uncertain significance. Last evaluated: 2018-02-15. Review status: criteria provided, single submitter. Criteria: EGL ClinVar v180209 classification definitions. Collection method: clinical testing. Allele origin: germline. Observed: 1 variant allele, 1 heterozygote.

Bioscientia Institut fuer Medizinische Diagnostik GmbH, Sonic Healthcare
Classification: Uncertain significance for Hypertrophic cardiomyopathy 9. Last evaluated: 2019-06-25. Review status: no assertion criteria provided. Collection method: clinical testing. Allele origin: germline. Affected: yes. Not counted in ClinVar's aggregate classification.

Clinical Genetics, Academic Medical Center
Classification: Uncertain significance. Review status: no assertion criteria provided. Collection method: clinical testing. Allele origin: germline. Affected: yes. Study: VKGL Data-share Consensus. Not counted in ClinVar's aggregate classification.

Joint Genome Diagnostic Labs from Nijmegen and Maastricht, Radboudumc and MUMC+
Classification: Uncertain significance. Review status: no assertion criteria provided. Collection method: clinical testing. Allele origin: germline. Affected: yes. Study: VKGL Data-share Consensus. Not counted in ClinVar's aggregate classification.

Literature cited by the submitters: PubMed 21810661 (cited by Ambry Genetics).